The following is an entry in ClinVar:

NM_052988.5(CDK10):c.716_728del (p.Leu239fs)

Gene: CDK10 (cyclin dependent kinase 10; plus strand). Cytogenetic location: 16q24.3.
Variant type: Deletion.
Coding change: c.716_728del on transcript NM_052988.5 (MANE Select); coding-DNA positions 716 to 728, 13 bases deleted (TCCCCGGCACTTC).
Protein change: p.Leu239fs; shifts the reading frame from leucine 239.
Molecular consequence: frameshift variant. On other transcripts: non-coding transcript variant (2).
Genome position (GRCh38, 1-based): chr16:89,694,712-89,694,724, TCCCCGGCACTTC deleted; deleting any 13 consecutive bases within chr16:89,694,708-89,694,724 gives the same sequence; the c. name uses the placement nearest the transcript's 3' end. VCF-style (leftmost placement, unchanged base first): chr16-89694707-TCTTCTCCCCGGCA-T. GRCh37 (hg19) VCF-style: chr16-89761115-TCTTCTCCCCGGCA-T.
Other names: c.503_515del, p.Leu168fs (NM_001098533.3, NM_001160367.2, NM_052987.4); short protein forms L168fs, L239fs.
Identifiers: ClinVar variation 1802200 (VCV001802200.3), dbSNP rs2543715086, ClinGen allele CA2580092466.
Genomic context (GRCh38, chr16:89,694,707, plus strand): 5'-GTCCACTGTTCTCTGCAGGGCTGTGGGCTGCATACTGGCCGAGCTGCTGGCGCACAGGCC[TCTTCTCCCCGGCA>T]CTTCCGAGATCCACCAGATCGACTTGATCGTGCAGCTGCTGGGCACGCCCAGTGAGAACA-3'

ClinVar aggregate classification (germline): Pathogenic (1 of 4 stars; one submission).

Conditions:
Al Kaissi syndrome. Also called: GROWTH RETARDATION, SPINE MALFORMATION, DYSMORPHIC FACIES, AND DEVELOPMENTAL DELAY. Identifiers: MedGen C4540156, MONDO:0044324, OMIM 617694.

Submission:

Diagnostics Services (NGS), CSIR - Centre For Cellular And Molecular Biology
Classification: Pathogenic for Al Kaissi syndrome. Last evaluated: 2022-07-01. Review status: criteria provided, single submitter. Criteria: ACMG Guidelines, 2015. Collection method: clinical testing. Allele origin: germline. Affected: no. Observed: 1 variant allele, 1 heterozygote.
Comment: The c.716_728del variant was identified as a part of carrier screening. This variant is not present in publicly available population databases like 1000 Genomes, EVS gnomAD and Indian Exome Database. The variant is not present in our in-house exome database. The variant was not reported to ClinVar, HGMD and/or OMIM databases in any affected individuals. In-silico pathogenicity prediction programs like MutationTaster2, CADD, Varsome etc. predicted this variant to be likely deleterious. The variant causes frameshift at the 240th amino acid position of the wild-type transcript which creates a translational premature stop signal at the 251th amino acid position of the altered transcript that either may causes nonsense mediated decay of the mRNA or results in translating a truncated protein. Previously, a missense variant (Thr242Ser), at this location was reported to HGMD (ID: CM1512662), in affected individuals (PMID: 26539891).

Literature cited by the submitters: PubMed 26539891.